The following is an entry in ClinVar:

NM_001903.5(CTNNA1):c.973A>C (p.Thr325Pro)

Gene: CTNNA1 (catenin alpha 1; plus strand). Cytogenetic location: 5q31.2.
Variant type: single nucleotide variant.
Coding change: c.973A>C on transcript NM_001903.5 (MANE Select); coding-DNA position 973, A replaced by C.
Protein change: p.Thr325Pro; replaces threonine 325 with proline.
Molecular consequence: missense variant.
Genome position (GRCh38, 1-based): chr5:138,827,629, A>C. VCF-style: chr5-138827629-A-C. GRCh37 (hg19) VCF-style: chr5-138163318-A-C.
Other names: c.973A>C, p.Thr325Pro (NM_001290307.3, NM_001323982.2, NM_001323983.1 and 3 more transcripts); c.664A>C, p.Thr222Pro (NM_001290309.3); c.604A>C, p.Thr202Pro (NM_001290310.3); short protein forms T202P, T222P, T325P.
Identifiers: ClinVar variation 1478346 (VCV001478346.8), dbSNP rs2149785836, ClinGen allele CA361131029.

ClinVar aggregate classification (germline): Uncertain significance (1 of 4 stars; one submission).

Submission:

Labcorp Genetics (formerly Invitae), Labcorp
Classification: Uncertain significance. Last evaluated: 2021-03-19. Review status: criteria provided, single submitter. Criteria: Invitae Variant Classification Sherloc (09022015). Collection method: clinical testing. Allele origin: germline.
Comment: In summary, the available evidence is currently insufficient to determine the role of this variant in disease. Therefore, it has been classified as a Variant of Uncertain Significance. Algorithms developed to predict the effect of missense changes on protein structure and function are either unavailable or do not agree on the potential impact of this missense change (SIFT: "Deleterious"; PolyPhen-2: "Possibly Damaging"; Align-GVGD: "Class C0"). This variant has been observed in individual(s) with clinical features of retinal disease (Invitae). This variant is not present in population databases (ExAC no frequency). This sequence change replaces threonine with proline at codon 325 of the CTNNA1 protein (p.Thr325Pro). The threonine residue is highly conserved and there is a small physicochemical difference between threonine and proline.